The following is an entry in ClinVar:

ClinVar aggregate classification (germline): Benign. Review status: criteria provided, multiple submitters, no conflicts (2 of 4 stars). 2 submissions from 2 submitters: Benign (2). Last evaluated 2018-01-13.

Conditions:
Neuropathy, hereditary sensory and autonomic, type 1C. Also called: HSAN IC; HSN IC. Identifiers: Orphanet 36386, MedGen C3150896, MONDO:0013337, OMIM 613640.

Allele frequency attached by ClinVar (database versions not stated): TOPMed 0.74246; gnomAD 0.75189 and 0.75937; 1000 Genomes Project 30x 0.76811; 1000 Genomes Project 0.77616; gnomAD exomes 1.00000.
gnomAD v4.1: 115,654 of 152,048 alleles (76%); highest among the groups gnomAD compares: East Asian, 97%; 45,371 homozygotes.

Submissions (2):

Illumina Laboratory Services, Illumina
Classification: Benign for Neuropathy, hereditary sensory and autonomic, type 1C. Last evaluated: 2018-01-13. Review status: criteria provided, single submitter. Criteria: ICSL Variant Classification Criteria 13 December 2019. Collection method: clinical testing. Allele origin: germline.
Comment: This variant was observed in the ICSL laboratory as part of a predisposition screen in an ostensibly healthy population. It had not been previously curated by ICSL or reported in the Human Gene Mutation Database (HGMD: prior to June 1st, 2018), and was therefore a candidate for classification through an automated scoring system. Utilizing variant allele frequency, disease prevalence and penetrance estimates, and inheritance mode, an automated score was calculated to assess if this variant is too frequent to cause the disease. Based on the score and internal cut-off values, a variant classified as benign is not then subjected to further curation. The score for this variant resulted in a classification of benign for this disease.

Breakthrough Genomics
Classification: Benign. Review status: criteria provided, single submitter. Criteria: ACMG Guidelines, 2015. Collection method: not provided. Allele origin: germline. Inheritance: Autosomal dominant inheritance. Affected: yes.

NM_004863.4(SPTLC2):c.*3524A>C

Gene: SPTLC2 (serine palmitoyltransferase long chain base subunit 2; minus strand). Cytogenetic location: 14q24.3.
Variant type: single nucleotide variant.
Coding change: c.*3524A>C on transcript NM_004863.4 (MANE Select); 3524 bases downstream of the stop codon, A replaced by C.
Molecular consequence: 3 prime UTR variant.
Genome position (GRCh38, 1-based): chr14:77,508,760, T>G on the plus strand (A>C on the coding strand, the complement: SPTLC2 is on the minus strand). VCF-style: chr14-77508760-T-G. GRCh37 (hg19) VCF-style: chr14-77975103-T-G.
Identifiers: ClinVar variation 314606 (VCV000314606.6), dbSNP rs1063270, ClinGen allele CA10645071.